The following is an entry in ClinVar:

NM_003465.3(CHIT1):c.1325C>G (p.Ala442Gly)

Gene: CHIT1 (chitinase 1; minus strand). Cytogenetic location: 1q32.1.
Variant type: single nucleotide variant.
Coding change: c.1325C>G on transcript NM_003465.3 (MANE Select); coding-DNA position 1325, C replaced by G.
Protein change: p.Ala442Gly; replaces alanine 442 with glycine.
Molecular consequence: missense variant. On other transcripts: non-coding transcript variant (2).
Genome position (GRCh38, 1-based): chr1:203,216,965, G>C on the plus strand (C>G on the coding strand, the complement: CHIT1 is on the minus strand). VCF-style: chr1-203216965-G-C. GRCh37 (hg19) VCF-style: chr1-203186093-G-C.
Other names: c.1268C>G, p.Ala423Gly (NM_001256125.2); short protein forms A442G, A423G.
Identifiers: ClinVar variation 294910 (VCV000294910.20), dbSNP rs1065761, ClinGen allele CA1339580.

ClinVar aggregate classification (germline): Benign. Review status: criteria provided, multiple submitters, no conflicts (2 of 4 stars). 4 submissions from 4 submitters: Benign (3). 1 of the submissions does not count toward it. Last evaluated 2026-02-04.

Conditions:
Chitotriosidase deficiency (CHITD). Identifiers: MedGen C3279902, OMIM 614122, MONDO:0013586.

Allele frequency attached by ClinVar (database versions not stated): ESP Exome Variant Server 0.10764; 1000 Genomes Project 0.10962; 1000 Genomes Project 30x 0.11071; TOPMed 0.11415.
gnomAD v4.1: 193,843 of 1,614,100 alleles (12%); highest among the groups gnomAD compares: Admixed American, 17%; 12,183 homozygotes.

Submissions (4):

Labcorp Genetics (formerly Invitae), Labcorp
Classification: Benign for Chitotriosidase deficiency. Last evaluated: 2026-02-04. Review status: criteria provided, single submitter. Criteria: Invitae Variant Classification Sherloc (09022015). Collection method: clinical testing. Allele origin: germline.

Illumina Laboratory Services, Illumina
Classification: Benign for Chitotriosidase deficiency. Last evaluated: 2018-03-06. Review status: criteria provided, single submitter. Criteria: ICSL Variant Classification Criteria 13 December 2019. Collection method: clinical testing. Allele origin: germline.
Comment: This variant was observed in the ICSL laboratory as part of a predisposition screen in an ostensibly healthy population. It had not been previously curated by ICSL or reported in the Human Gene Mutation Database (HGMD: prior to June 1st, 2018), and was therefore a candidate for classification through an automated scoring system. Utilizing variant allele frequency, disease prevalence and penetrance estimates, and inheritance mode, an automated score was calculated to assess if this variant is too frequent to cause the disease. Based on the score and internal cut-off values, a variant classified as benign is not then subjected to further curation. The score for this variant resulted in a classification of benign for this disease.

Breakthrough Genomics
Classification: Benign. Review status: criteria provided, single submitter. Criteria: ACMG Guidelines, 2015. Collection method: not provided. Allele origin: germline. Inheritance: Autosomal recessive inheritance. Affected: yes.

Mayo Clinic Laboratories, Mayo Clinic
Classification: Benign. Last evaluated: 2015-10-22. Review status: no assertion criteria provided. Collection method: clinical testing. Allele origin: unknown. Not counted in ClinVar's aggregate classification.